The following is an entry in ClinVar:

ClinVar aggregate classification (germline): Likely benign. Review status: criteria provided, multiple submitters, no conflicts (2 of 4 stars). 2 submissions from 2 submitters: Likely benign (2). Last evaluated 2026-09-01.

Conditions:
Hereditary spastic paraplegia 7 (SPG7). Also called: Autosomal recessive spastic paraplegia type 7; SPG7-related neurologic disorder; SPASTIC PARAPLEGIA 7, AUTOSOMAL RECESSIVE, WITH OR WITHOUT CEREBELLAR ATAXIA; Spastic paraplegia 7; Hereditary spastic paraplegia Paraplegin type. Identifiers: Orphanet 99013, MedGen C1846564, MONDO:0011803, OMIM 607259.

Allele frequency attached by ClinVar (database versions not stated): gnomAD 0.00001; gnomAD exomes 0.00001; ExAC 0.00002; TOPMed 0.00002.
gnomAD v4.1: 19 of 1,613,734 alleles (0.0012%); highest among the groups gnomAD compares: Admixed American, 0.0067%; no homozygotes.

Submissions (2):

CeGaT Center for Human Genetics Tuebingen
Classification: Likely benign. Last evaluated: 2026-09-01. Review status: criteria provided, single submitter. Criteria: CeGaT Center For Human Genetics Tuebingen Variant Classification Criteria Version 2. Collection method: clinical testing. Allele origin: germline. Affected: yes. Observed: 1 variant allele.
Comment: SPG7: BP4, BP7

Labcorp Genetics (formerly Invitae), Labcorp
Classification: Likely benign for Hereditary spastic paraplegia 7. Last evaluated: 2022-08-23. Review status: criteria provided, single submitter. Criteria: Invitae Variant Classification Sherloc (09022015). Collection method: clinical testing. Allele origin: germline.

NM_003119.4(SPG7):c.1092G>A (p.Thr364=)

Gene: SPG7 (SPG7 matrix AAA peptidase subunit, paraplegin; plus strand). Cytogenetic location: 16q24.3.
Variant type: single nucleotide variant.
Coding change: c.1092G>A on transcript NM_003119.4 (MANE Select); coding-DNA position 1092, G replaced by A.
Protein change: p.Thr364=; no amino-acid change (threonine 364 retained).
Molecular consequence: synonymous variant.
Genome position (GRCh38, 1-based): chr16:89,532,008, G>A. VCF-style: chr16-89532008-G-A. GRCh37 (hg19) VCF-style: chr16-89598416-G-A.
Other names: c.1092G>A, p.Thr364= (NM_001363850.1, NM_199367.3).
Identifiers: ClinVar variation 705721 (VCV000705721.11), dbSNP rs771190749, ClinGen allele CA8243937.